The following is an entry in ClinVar:

ClinVar aggregate classification (germline): Uncertain significance (1 of 4 stars; one submission).

Conditions:
Familial thoracic aortic aneurysm and aortic dissection (TAAD). Also called: Thoracic aortic aneurysms and dissections. Identifiers: Orphanet 91387, MedGen C4707243, MONDO:0019625.

gnomAD v4.1: 1 of 1,614,142 alleles (0.000062%); highest among the groups gnomAD compares: Non-Finnish European, 0.000085%; no homozygotes.

Submission:

Labcorp Genetics (formerly Invitae), Labcorp
Classification: Uncertain significance for Familial thoracic aortic aneurysm and aortic dissection. Last evaluated: 2024-08-08. Review status: criteria provided, single submitter. Criteria: Invitae Variant Classification Sherloc (09022015). Collection method: clinical testing. Allele origin: germline.
Comment: This sequence change replaces glutamic acid, which is acidic and polar, with lysine, which is basic and polar, at codon 540 of the TGFBR2 protein (p.Glu540Lys). This variant is not present in population databases (gnomAD no frequency). This variant has not been reported in the literature in individuals affected with TGFBR2-related conditions. Advanced modeling of protein sequence and biophysical properties (such as structural, functional, and spatial information, amino acid conservation, physicochemical variation, residue mobility, and thermodynamic stability) has been performed at Invitae for this missense variant, however the output from this modeling did not meet the statistical confidence thresholds required to predict the impact of this variant on TGFBR2 protein function. In summary, the available evidence is currently insufficient to determine the role of this variant in disease. Therefore, it has been classified as a Variant of Uncertain Significance.

NM_003242.6(TGFBR2):c.1618G>A (p.Glu540Lys)

Gene: TGFBR2 (transforming growth factor beta receptor 2; plus strand). Cytogenetic location: 3p24.1.
Variant type: single nucleotide variant.
Coding change: c.1618G>A on transcript NM_003242.6 (MANE Select); coding-DNA position 1618, G replaced by A.
Protein change: p.Glu540Lys; replaces glutamic acid 540 with lysine.
Molecular consequence: missense variant.
Genome position (GRCh38, 1-based): chr3:30,691,513, G>A. VCF-style: chr3-30691513-G-A. GRCh37 (hg19) VCF-style: chr3-30733005-G-A.
Other names: c.1693G>A, p.Glu565Lys (NM_001024847.3); c.1801G>A, p.Glu601Lys (NM_001407126.1); c.1726G>A, p.Glu576Lys (NM_001407127.1); c.1645G>A, p.Glu549Lys (NM_001407128.1); c.1621G>A, p.Glu541Lys (NM_001407129.1); c.1615G>A, p.Glu539Lys (NM_001407130.1); c.1513G>A, p.Glu505Lys (NM_001407132.1, NM_001407133.1, NM_001407134.1 and 2 more transcripts); c.1333G>A, p.Glu445Lys (NM_001407137.1); and 2 more; short protein forms E539K, E541K, E250K, E565K, E576K, E601K, E420K, E445K.
Identifiers: ClinVar variation 3682491 (VCV003682491.2).
Genomic context (GRCh38, chr3:30,691,513, plus strand): 5'-TGCTGGGACCACGACCCAGAGGCCCGTCTCACAGCCCAGTGTGTGGCAGAACGCTTCAGT[G>A]AGCTGGAGCATCTGGACAGGCTCTCGGGGAGGAGCTGCTCGGAGGAGAAGATTCCTGAAG-3'
Protein context (NP_003233.4, residues 530-550): TAQCVAERFS[Glu540Lys]LEHLDRLSGR